The following is an entry in ClinVar:

ClinVar aggregate classification (germline): Uncertain significance. Review status: criteria provided, multiple submitters, no conflicts (2 of 4 stars). 2 submissions from 2 submitters: Uncertain significance (2). Last evaluated 2025-12-04.

Conditions:
Inborn genetic diseases. Identifiers: MedGen C0950123, MeSH D030342.

Allele frequency attached by ClinVar (database versions not stated): gnomAD exomes below 0.00001.
gnomAD v4.1: 5 of 1,614,128 alleles (0.00031%); highest among the groups gnomAD compares: Admixed American, 0.0033%; no homozygotes.

Submissions (2):

Ambry Genetics
Classification: Uncertain significance for Inborn genetic diseases. Last evaluated: 2025-12-04. Review status: criteria provided, single submitter. Criteria: Ambry Variant Classification Scheme 2023. Collection method: clinical testing. Allele origin: germline.

Labcorp Genetics (formerly Invitae), Labcorp
Classification: Uncertain significance. Last evaluated: 2021-12-08. Review status: criteria provided, single submitter. Criteria: Invitae Variant Classification Sherloc (09022015). Collection method: clinical testing. Allele origin: germline.
Comment: This sequence change replaces proline, which is neutral and non-polar, with leucine, which is neutral and non-polar, at codon 312 of the LAMA1 protein (p.Pro312Leu). This variant is not present in population databases (gnomAD no frequency). This variant has not been reported in the literature in individuals affected with LAMA1-related conditions. Algorithms developed to predict the effect of missense changes on protein structure and function (SIFT, PolyPhen-2, Align-GVGD) all suggest that this variant is likely to be disruptive. In summary, the available evidence is currently insufficient to determine the role of this variant in disease. Therefore, it has been classified as a Variant of Uncertain Significance.

NM_005559.4(LAMA1):c.935C>T (p.Pro312Leu)

Gene: LAMA1 (laminin subunit alpha 1; minus strand). Cytogenetic location: 18p11.31.
Variant type: single nucleotide variant.
Coding change: c.935C>T on transcript NM_005559.4 (MANE Select); coding-DNA position 935, C replaced by T.
Protein change: p.Pro312Leu; replaces proline 312 with leucine.
Molecular consequence: missense variant.
Genome position (GRCh38, 1-based): chr18:7,044,763, G>A on the plus strand (C>T on the coding strand, the complement: LAMA1 is on the minus strand). VCF-style: chr18-7044763-G-A. GRCh37 (hg19) VCF-style: chr18-7044762-G-A.
Other names: c.935C>T (NM_005559.3); short protein forms P312L.
Identifiers: ClinVar variation 2180324 (VCV002180324.5), dbSNP rs978560199, ClinGen allele CA295760878.